The following is an entry in ClinVar:

ClinVar aggregate classification (germline): Uncertain significance (1 of 4 stars; one submission).

Conditions:
COL4A3-related disorder. Also called: COL4A3-Related Disorders; COL4A3-related condition.

Submission:

PreventionGenetics, part of Exact Sciences
Classification: Uncertain significance for COL4A3-related condition. Last evaluated: 2022-10-21. Review status: criteria provided, single submitter. Criteria: ACMG Guidelines, 2015. Collection method: clinical testing. Allele origin: germline.
Comment: The COL4A3 c.442-13_442-10delGCTT variant is predicted to result in an intronic deletion. which is predicted to result in an intronic deletion. This variant is predicted to weaken the nearby acceptor splice site based on available splicing prediction programs (Alamut Visual v2.11).To our knowledge, this variant has not been reported in the literature or in a large population database, indicating this variant is rare. At this time, the clinical significance of this variant is uncertain due to the absence of conclusive functional and genetic evidence.

NM_000091.5(COL4A3):c.442-13_442-10del

Genes: COL4A3 (collagen type IV alpha 3 chain; plus strand), MFF-DT (MFF divergent transcript; minus strand). Cytogenetic location: 2q36.3.
Variant type: Deletion.
Coding change: c.442-13_442-10del on transcript NM_000091.5 (MANE Select); 13 bases into the intron before coding-DNA position 442 through 10 bases into the intron before coding-DNA position 442, 4 bases deleted (GCTT; older notation c.442-13_442-10delGCTT).
Molecular consequence: intron variant.
Genome position (GRCh38, 1-based): chr2:227,247,545-227,247,548, GCTT deleted; deleting any 4 consecutive bases within chr2:227,247,543-227,247,548 gives the same sequence; the c. name uses the placement nearest the transcript's 3' end. VCF-style (leftmost placement, unchanged base first): chr2-227247542-GTTGC-G. GRCh37 (hg19) VCF-style: chr2-228112258-GTTGC-G.
Identifiers: ClinVar variation 2637078 (VCV002637078.1), dbSNP rs2469517434, ClinGen allele CA2695197695.
Genomic context (GRCh38, chr2:227,247,542, plus strand): 5'-AGAGGGCAGAGCAGACCGAGTAGGAGTGTGTGCGTTTGATATTCCTCTAGTTGTTCATAG[GTTGC>G]TTTTTTCCTAGGGTGCTGCTGGTTTGAAAGGACAAAAGGTAAGTCATTGGTGGAATGCTG-3'